The following is an entry in ClinVar:

ClinVar aggregate classification (germline): Likely benign (0 of 4 stars; one submission).

Conditions:
HSD3B7-related disorder. Also called: HSD3B7-related condition.

Allele frequency attached by ClinVar (database versions not stated): gnomAD 0.00001; TOPMed 0.00003.

Submission:

PreventionGenetics, part of Exact Sciences
Classification: Likely benign for HSD3B7-related condition. Last evaluated: 2024-04-19. Review status: no assertion criteria provided. Collection method: clinical testing. Allele origin: germline.
Comment: This variant is classified as likely benign based on ACMG/AMP sequence variant interpretation guidelines (Richards et al. 2015 PMID: 25741868, with internal and published modifications).

NM_025193.4(HSD3B7):c.969G>A (p.Thr323=)

Gene: HSD3B7 (hydroxy-delta-5-steroid dehydrogenase, 3 beta- and steroid delta-isomerase 7; plus strand). Cytogenetic location: 16p11.2.
Variant type: single nucleotide variant.
Coding change: c.969G>A on transcript NM_025193.4 (MANE Select); coding-DNA position 969, G replaced by A.
Protein change: p.Thr323=; no amino-acid change (threonine 323 retained).
Molecular consequence: synonymous variant. On other transcripts: 3 prime UTR variant (2).
Genome position (GRCh38, 1-based): chr16:30,988,042, G>A. VCF-style: chr16-30988042-G-A. GRCh37 (hg19) VCF-style: chr16-30999363-G-A.
Other names: c.*215G>A (NM_001142777.2, NM_001142778.2).
Identifiers: ClinVar variation 3033588 (VCV003033588.2), dbSNP rs767262261, ClinGen allele CA280563264.